The following is an entry in ClinVar:

ClinVar aggregate classification (germline): Likely benign. Review status: criteria provided, multiple submitters, no conflicts (2 of 4 stars). 3 submissions from 3 submitters: Likely benign (2). 1 of the submissions does not count toward it. Last evaluated 2026-07-01.

Conditions:
CARD10-related disorder. Also called: CARD10-related condition.

Allele frequency attached by ClinVar (database versions not stated): TOPMed 0.00003; ExAC 0.00004; gnomAD exomes 0.00005; gnomAD 0.00007; 1000 Genomes Project 30x 0.00016; 1000 Genomes Project 0.00020.
gnomAD v4.1: 87 of 1,601,924 alleles (0.0054%); highest among the groups gnomAD compares: African/African-American, 0.021%; 1 homozygote.

Submissions (3):

CeGaT Center for Human Genetics Tuebingen
Classification: Likely benign. Last evaluated: 2026-07-01. Review status: criteria provided, single submitter. Criteria: CeGaT Center For Human Genetics Tuebingen Variant Classification Criteria Version 2. Collection method: clinical testing. Allele origin: germline. Affected: yes. Observed: 1 variant allele.
Comment: CARD10: BP4, BP7

Ambry Genetics
Classification: Likely benign. Last evaluated: 2025-08-31. Review status: criteria provided, single submitter. Criteria: Ambry Variant Classification Scheme 2023. Collection method: clinical testing. Allele origin: germline.

PreventionGenetics, part of Exact Sciences
Classification: Likely benign for CARD10-related condition. Last evaluated: 2019-03-12. Review status: no assertion criteria provided. Collection method: clinical testing. Allele origin: germline. Not counted in ClinVar's aggregate classification.
Comment: This variant is classified as likely benign based on ACMG/AMP sequence variant interpretation guidelines (Richards et al. 2015 PMID: 25741868, with internal and published modifications).

NM_014550.4(CARD10):c.828T>C (p.Asn276=)

Gene: CARD10 (caspase recruitment domain family member 10; minus strand). Cytogenetic location: 22q13.1.
Variant type: single nucleotide variant.
Coding change: c.828T>C on transcript NM_014550.4 (MANE Select); coding-DNA position 828, T replaced by C.
Protein change: p.Asn276=; no amino-acid change (asparagine 276 retained).
Molecular consequence: synonymous variant.
Genome position (GRCh38, 1-based): chr22:37,510,293, A>G on the plus strand (T>C on the coding strand, the complement: CARD10 is on the minus strand). VCF-style: chr22-37510293-A-G. GRCh37 (hg19) VCF-style: chr22-37906300-A-G.
Identifiers: ClinVar variation 3046876 (VCV003046876.4), dbSNP rs576345404, ClinGen allele CA10220068.